The following is an entry in ClinVar:

NM_021083.4(XK):c.343T>C (p.Ser115Pro)

Gene: XK (X-linked Kx blood group antigen, Kell and VPS13A binding protein; plus strand). Cytogenetic location: Xp21.1.
Variant type: single nucleotide variant.
Coding change: c.343T>C on transcript NM_021083.4 (MANE Select); coding-DNA position 343, T replaced by C.
Protein change: p.Ser115Pro; replaces serine 115 with proline.
Molecular consequence: missense variant.
Genome position (GRCh38, 1-based): chrX:37,694,383, T>C. VCF-style: chrX-37694383-T-C. GRCh37 (hg19) VCF-style: chrX-37553636-T-C.
Other names: short protein forms S115P.
Identifiers: ClinVar variation 1303649 (VCV001303649.6), dbSNP rs1275693406, ClinGen allele CA412969592.
Genomic context (GRCh38, chrX:37,694,383, plus strand): 5'-AACAATGAAGAGCCTTATGTCAGTATCACCAAGAAGAGGCAAATGCCAAAAAATGGCCTC[T>C]CAGAGGAGATTGAGAAGGAGGTGGGCCAGGCAGAAGGCAAACTAATCACCCACCGATCAG-3'
Protein context (NP_066569.1, residues 105-125): KKRQMPKNGL[Ser115Pro]EEIEKEVGQA

ClinVar aggregate classification (germline): Uncertain significance. Review status: criteria provided, multiple submitters, no conflicts (2 of 4 stars). 2 submissions from 2 submitters: Uncertain significance (2). Last evaluated 2024-03-04.

Allele frequency attached by ClinVar (database versions not stated): gnomAD 0.00001 and 0.00002; TOPMed 0.00002; gnomAD exomes 0.00004.
gnomAD v4.1: 47 of 1,206,247 alleles (0.0039%); highest among the groups gnomAD compares: Non-Finnish European, 0.0052%; no homozygotes.

Submissions (2):

Labcorp Genetics (formerly Invitae), Labcorp
Classification: Uncertain significance. Last evaluated: 2024-03-04. Review status: criteria provided, single submitter. Criteria: Invitae Variant Classification Sherloc (09022015). Collection method: clinical testing. Allele origin: germline.
Comment: This sequence change replaces serine, which is neutral and polar, with proline, which is neutral and non-polar, at codon 115 of the XK protein (p.Ser115Pro). This variant is not present in population databases (gnomAD no frequency). This variant has not been reported in the literature in individuals affected with XK-related conditions. ClinVar contains an entry for this variant (Variation ID: 1303649). Advanced modeling of protein sequence and biophysical properties (such as structural, functional, and spatial information, amino acid conservation, physicochemical variation, residue mobility, and thermodynamic stability) performed at Invitae indicates that this missense variant is not expected to disrupt XK protein function with a negative predictive value of 80%. In summary, the available evidence is currently insufficient to determine the role of this variant in disease. Therefore, it has been classified as a Variant of Uncertain Significance.

GeneDx
Classification: Uncertain significance. Last evaluated: 2020-03-31. Review status: criteria provided, single submitter. Criteria: GeneDx Variant Classification Process June 2021. Collection method: clinical testing. Allele origin: germline. Affected: yes.
Comment: Not observed in large population cohorts (Lek et al., 2016); In silico analysis supports that this missense variant does not alter protein structure/function; Has not been previously published as pathogenic or benign to our knowledge